The following is an entry in ClinVar:

ClinVar aggregate classification (germline): Uncertain significance (1 of 4 stars; one submission).

Conditions:
Lethal Kniest-like syndrome (DDSH). Also called: Dyssegmental Dysplasia. Identifiers: Orphanet 1865, MedGen C1857100, MONDO:0009140, OMIM 224410.
Schwartz-Jampel syndrome type 1 (SJS1). Also called: MYOTONIC MYOPATHY, DWARFISM, CHONDRODYSTROPHY, AND OCULAR AND FACIAL ABNORMALITIES; CHONDRODYSTROPHIC MYOTONIA. Identifiers: MedGen C4551479, MONDO:0100435, OMIM 255800.

gnomAD v4.1: 17 of 1,613,648 alleles (0.0011%); highest among the groups gnomAD compares: East Asian, 0.038%; no homozygotes.

Submission:

Juno Genomics, Hangzhou Juno Genomics, Inc
Classification: Uncertain significance for Schwartz-Jampel syndrome type 1; Lethal Kniest-like syndrome. Review status: criteria provided, single submitter. Criteria: ACMG Guidelines, 2015. Collection method: clinical testing. Allele origin: germline.
Comment: Absent from controls (or at extremely low frequency if recessive) in Genome Aggregation Database.;Multiple lines of computational evidence support a deleterious effect on the gene or gene product.;Missense variant in a gene that has a low rate of benign missense variation.

NM_005529.7(HSPG2):c.12956C>G (p.Ser4319Cys)

Genes: HSPG2 (heparan sulfate proteoglycan 2; minus strand), LDLRAD2 (low density lipoprotein receptor class A domain containing 2; plus strand). Cytogenetic location: 1p36.12.
Variant type: single nucleotide variant.
Coding change: c.12956C>G on transcript NM_005529.7 (MANE Select); coding-DNA position 12956, C replaced by G.
Protein change: p.Ser4319Cys; replaces serine 4319 with cysteine.
Molecular consequence: missense variant. On other transcripts: 3 prime UTR variant (1).
Genome position (GRCh38, 1-based): chr1:21,823,663, G>C on the plus strand (C>G on the coding strand, the complement: HSPG2 is on the minus strand). VCF-style: chr1-21823663-G-C. GRCh37 (hg19) VCF-style: chr1-22150156-G-C.
Other names: c.12959C>G, p.Ser4320Cys (NM_001291860.2); c.*1448G>C (NM_001013693.3); short protein forms S4319C, S4320C.
Identifiers: ClinVar variation 5020031 (VCV005020031.2).